The following is an entry in ClinVar:

NM_002448.3(MSX1):c.151A>G (p.Lys51Glu)

Genes: MSX1 (msh homeobox 1; plus strand), LOC129992137 (ATAC-STARR-seq lymphoblastoid silent region 15219; plus strand). Cytogenetic location: 4p16.2.
Variant type: single nucleotide variant.
Coding change: c.151A>G on transcript NM_002448.3 (MANE Select); coding-DNA position 151, A replaced by G.
Protein change: p.Lys51Glu; replaces lysine 51 with glutamic acid.
Molecular consequence: missense variant.
Genome position (GRCh38, 1-based): chr4:4,860,050, A>G. VCF-style: chr4-4860050-A-G. GRCh37 (hg19) VCF-style: chr4-4861777-A-G.
Other names: short protein forms K51E.
Identifiers: ClinVar variation 800202 (VCV000800202.18), dbSNP rs994158401, ClinGen allele CA91668469.

ClinVar aggregate classification (germline): Benign/Likely benign. Review status: criteria provided, multiple submitters, no conflicts (2 of 4 stars). 3 submissions from 3 submitters: Benign (1); Likely benign (1). 1 of the submissions does not count toward it. Last evaluated 2025-12-24.

Conditions:
MSX1-related disorder. Also called: MSX1-related condition.
Hypoplastic enamel-onycholysis-hypohidrosis syndrome (TNS). Also called: ECTODERMAL DYSPLASIA 3, TOOTH/NAIL TYPE; NAIL DYSPLASIA WITH HYPODONTIA; Tooth-and-Nail Syndrome; ECTODERMAL DYSPLASIA 3, WITKOP TYPE; WITKOP SYNDROME. Identifiers: Orphanet 2228, MedGen C0406735, MONDO:0008582, OMIM 189500.

Allele frequency attached by ClinVar (database versions not stated): gnomAD exomes 0.00014 and 0.00143; gnomAD 0.00018 and 0.00019; TOPMed 0.00055; 1000 Genomes Project 30x 0.00062.
gnomAD v4.1: 220 of 1,514,566 alleles (0.015%); highest among the groups gnomAD compares: Admixed American, 0.46%; no homozygotes.

Submissions (3):

Labcorp Genetics (formerly Invitae), Labcorp
Classification: Benign for Hypoplastic enamel-onycholysis-hypohidrosis syndrome. Last evaluated: 2025-12-24. Review status: criteria provided, single submitter. Criteria: Invitae Variant Classification Sherloc (09022015). Collection method: clinical testing. Allele origin: germline.

CeGaT Center for Human Genetics Tuebingen
Classification: Likely benign. Last evaluated: 2025-10-01. Review status: criteria provided, single submitter. Criteria: CeGaT Center For Human Genetics Tuebingen Variant Classification Criteria Version 2. Collection method: clinical testing. Allele origin: germline. Affected: yes. Observed: 1 variant allele.
Comment: MSX1: PP3, BS1

PreventionGenetics, part of Exact Sciences
Classification: Benign for MSX1-related condition. Last evaluated: 2020-01-24. Review status: no assertion criteria provided. Collection method: clinical testing. Allele origin: germline. Not counted in ClinVar's aggregate classification.
Comment: This variant is classified as benign based on ACMG/AMP sequence variant interpretation guidelines (Richards et al. 2015 PMID: 25741868, with internal and published modifications).